The following is an entry in ClinVar:

NM_015135.3(NUP205):c.1101C>T (p.Asn367=)

Gene: NUP205 (nucleoporin 205; plus strand). Cytogenetic location: 7q33.
Variant type: single nucleotide variant.
Coding change: c.1101C>T on transcript NM_015135.3 (MANE Select); coding-DNA position 1101, C replaced by T.
Protein change: p.Asn367=; no amino-acid change (asparagine 367 retained).
Molecular consequence: synonymous variant.
Genome position (GRCh38, 1-based): chr7:135,584,890, C>T. VCF-style: chr7-135584890-C-T. GRCh37 (hg19) VCF-style: chr7-135269638-C-T.
Other names: p.Asn367=; c.27C>T, p.Asn9= (NM_001329434.2).
Identifiers: ClinVar variation 711318 (VCV000711318.37), dbSNP rs144217755, ClinGen allele CA4498015.
Genomic context (GRCh38, chr7:135,584,890, plus strand): 5'-AGCTCTGGCAGAATTCACAGAGGCAGATGAAGCAATGGCAGAACTCGCAATTGCTGACAA[C>T]GTTTTCCTGTTCCTCATGGAATCTGTAGTGGTATCAGAATACTTTTATCAGGAAGAATTT-3'
Protein context (NP_055950.2, residues 357-377): EAMAELAIAD[Asn367=]VFLFLMESVV

ClinVar aggregate classification (germline): Benign/Likely benign. Review status: criteria provided, multiple submitters, no conflicts (2 of 4 stars). 5 submissions from 5 submitters: Benign (2); Likely benign (3). Last evaluated 2026-06-01.

Allele frequency attached by ClinVar (database versions not stated): 1000 Genomes Project 30x 0.00265; 1000 Genomes Project 0.00280; ExAC 0.00330; gnomAD 0.00362 and 0.00383; TOPMed 0.00386; ESP Exome Variant Server 0.00500.
gnomAD v4.1: 4,205 of 1,613,972 alleles (0.26%); highest among the groups gnomAD compares: African/African-American, 0.68%; 18 homozygotes.

Submissions (5):

CeGaT Center for Human Genetics Tuebingen
Classification: Likely benign. Last evaluated: 2026-06-01. Review status: criteria provided, single submitter. Criteria: CeGaT Center For Human Genetics Tuebingen Variant Classification Criteria Version 2. Collection method: clinical testing. Allele origin: germline. Affected: yes. Observed: 3 variant alleles.
Comment: NUP205: BP4, BP7

Labcorp Genetics (formerly Invitae), Labcorp
Classification: Benign. Last evaluated: 2025-12-01. Review status: criteria provided, single submitter. Criteria: Invitae Variant Classification Sherloc (09022015). Collection method: clinical testing. Allele origin: germline.

Mayo Clinic Laboratories, Mayo Clinic
Classification: Likely benign. Last evaluated: 2025-09-11. Review status: criteria provided, single submitter. Criteria: ACMG Guidelines, 2015. Collection method: clinical testing. Allele origin: germline. Observed: 2 variant alleles.
Comment: BS1, BP4, BP7

Blueprint Genetics
Classification: Likely benign. Last evaluated: 2024-11-14. Review status: criteria provided, single submitter. Criteria: ACMG Guidelines, 2015. Collection method: clinical testing. Allele origin: germline.

Breakthrough Genomics
Classification: Benign. Review status: criteria provided, single submitter. Criteria: ACMG Guidelines, 2015. Collection method: not provided. Allele origin: germline. Inheritance: Autosomal recessive inheritance. Affected: yes.